The following is an entry in ClinVar:

NM_000038.6(APC):c.2587_2600del (p.Tyr863fs)

Gene: APC (APC regulator of Wnt signaling pathway; plus strand). Cytogenetic location: 5q22.2.
Variant type: Deletion.
Coding change: c.2587_2600del on transcript NM_000038.6 (MANE Select); coding-DNA positions 2587 to 2600, 14 bases deleted (TACCATCCAGCAAC).
Protein change: p.Tyr863fs; shifts the reading frame from tyrosine 863.
Molecular consequence: frameshift variant.
Genome position (GRCh38, 1-based): chr5:112,838,181-112,838,194, TACCATCCAGCAAC deleted; deleting any 14 consecutive bases within chr5:112,838,176-112,838,194 gives the same sequence; the c. name uses the placement nearest the transcript's 3' end. VCF-style (leftmost placement, unchanged base first): chr5-112838175-GGCAACTACCATCCA-G. GRCh37 (hg19) VCF-style: chr5-112173872-GGCAACTACCATCCA-G.
Other names: c.2587_2600del, p.Tyr863fs (NM_001127510.3, NM_001354895.2); c.2533_2546del, p.Tyr845fs (NM_001127511.3); c.2641_2654del, p.Tyr881fs (NM_001354896.2); c.2617_2630del, p.Tyr873fs (NM_001354897.2); c.2512_2525del, p.Tyr838fs (NM_001354898.2); c.2503_2516del, p.Tyr835fs (NM_001354899.2); c.2464_2477del, p.Tyr822fs (NM_001354900.2); c.2410_2423del, p.Tyr804fs (NM_001354901.2); and 5 more; short protein forms Y822fs, Y835fs, Y838fs, Y881fs, Y703fs, Y737fs, Y772fs, Y804fs.
Identifiers: ClinVar variation 649433 (VCV000649433.11), dbSNP rs1580624327, ClinGen allele CA915942622.

ClinVar aggregate classification (germline): Pathogenic. Review status: criteria provided, multiple submitters, no conflicts (2 of 4 stars). 2 submissions from 2 submitters: Pathogenic (2). Last evaluated 2023-05-04.

Conditions:
Familial adenomatous polyposis 1 (FAP1). Also called: FAMILIAL ADENOMATOUS POLYPOSIS 1, ATTENUATED; POLYPOSIS, ADENOMATOUS INTESTINAL. Identifiers: MedGen C2713442, MONDO:0021056, OMIM 175100. Disease mechanism: loss of function.

Submissions (2):

Myriad Genetics, Inc.
Classification: Pathogenic for Familial adenomatous polyposis 1. Last evaluated: 2023-05-04. Review status: criteria provided, single submitter. Criteria: Myriad Autosomal Dominant, Autosomal Recessive and X-Linked Classification Criteria (2023). Collection method: clinical testing. Allele origin: unknown.
Comment: This variant is considered pathogenic. This variant creates a frameshift predicted to result in premature protein truncation.

Labcorp Genetics (formerly Invitae), Labcorp
Classification: Pathogenic for Familial adenomatous polyposis 1. Last evaluated: 2022-08-12. Review status: criteria provided, single submitter. Criteria: Invitae Variant Classification Sherloc (09022015). Collection method: clinical testing. Allele origin: germline.
Comment: ClinVar contains an entry for this variant (Variation ID: 649433). This variant has not been reported in the literature in individuals affected with APC-related conditions. This variant is not present in population databases (gnomAD no frequency). This sequence change creates a premature translational stop signal (p.Tyr863Argfs*44) in the APC gene. While this is not anticipated to result in nonsense mediated decay, it is expected to disrupt the last 1981 amino acid(s) of the APC protein. This variant is expected to disrupt the EB1 and HDLG binding sites, which mediate interactions with the cytoskeleton (PMID: 15311282, 17293347). While functional studies have not been performed to directly test the effect on APC protein function, this suggests that disruption of the C-terminal portion of the protein is functionally important. For these reasons, this variant has been classified as Pathogenic. A different truncation (p.Tyr2645Lysfs*14) that lies downstream of this variant has been determined to be pathogenic (PMID: 9824584, 1316610, 27081525, 8381579, 22135120, Invitae). This suggests that deletion of this region of the APC protein is causative of disease.

Literature cited by the submitters: PubMed 15311282 (cited by Labcorp Genetics (formerly Invitae), Labcorp); PubMed 17293347 (cited by Labcorp Genetics (formerly Invitae), Labcorp); PubMed 9824584 (cited by Labcorp Genetics (formerly Invitae), Labcorp); PubMed 1316610 (cited by Labcorp Genetics (formerly Invitae), Labcorp); PubMed 27081525 (cited by Labcorp Genetics (formerly Invitae), Labcorp); PubMed 8381579 (cited by Labcorp Genetics (formerly Invitae), Labcorp); PubMed 22135120 (cited by Labcorp Genetics (formerly Invitae), Labcorp).